The following is an entry in ClinVar:

NM_000455.5(STK11):c.12G>A (p.Val4=)

Gene: STK11 (serine/threonine kinase 11; plus strand). Cytogenetic location: 19p13.3.
Variant type: single nucleotide variant.
Coding change: c.12G>A on transcript NM_000455.5 (MANE Select); coding-DNA position 12, G replaced by A.
Protein change: p.Val4=; no amino-acid change (valine 4 retained).
Molecular consequence: synonymous variant.
Genome position (GRCh38, 1-based): chr19:1,206,925, G>A. VCF-style: chr19-1206925-G-A. GRCh37 (hg19) VCF-style: chr19-1206924-G-A.
Identifiers: ClinVar variation 921128 (VCV000921128.16), dbSNP rs1379886566, ClinGen allele CA504706065.
Genomic context (GRCh38, chr19:1,206,925, plus strand): 5'-ACCCGCGGACTCAGGGCTGGCGGCGGGACTCCAGGACCCTGGGTCCAGCATGGAGGTGGT[G>A]GACCCGCAGCAGCTGGGCATGTTCACGGAGGGCGAGCTGATGTCGGTGGGTATGGACACG-3'
Protein context (NP_000446.1, residues 1-14): MEV[Val4=]DPQQLGMFTE

ClinVar aggregate classification (germline): Benign/Likely benign. Review status: criteria provided, multiple submitters, no conflicts (2 of 4 stars). 5 submissions from 5 submitters: Benign (1); Likely benign (4). Last evaluated 2025-03-24.

Conditions:
Hereditary cancer-predisposing syndrome. Also called: Hereditary Cancer Syndrome; Hereditary neoplastic syndrome; Neoplastic Syndromes, Hereditary; Tumor predisposition. Identifiers: Orphanet 140162, MedGen C0027672, MeSH D009386, MONDO:0015356.
Peutz-Jeghers syndrome (PJS). Also called: POLYPOSIS, HAMARTOMATOUS INTESTINAL; POLYPS-AND-SPOTS SYNDROME; Peutz-Jeghers polyposis; Periorificial lentiginosis syndrome. Identifiers: Orphanet 2869, MedGen C0031269, MeSH D010580, MONDO:0008280, OMIM 175200.

Allele frequency attached by ClinVar (database versions not stated): gnomAD exomes below 0.00001.
gnomAD v4.1: 1 of 1,585,524 alleles (0.000063%); highest among the groups gnomAD compares: Admixed American, 0.0018%; no homozygotes.

Submissions (5):

Myriad Genetics, Inc.
Classification: Benign for Peutz-Jeghers syndrome. Last evaluated: 2025-03-24. Review status: criteria provided, single submitter. Criteria: Myriad Autosomal Dominant, Autosomal Recessive and X-Linked Classification Criteria (2023). Collection method: clinical testing. Allele origin: unknown.
Comment: This variant is considered benign. This variant is a silent/synonymous amino acid change and it is not expected to impact splicing.

Center for Genomic Medicine, Rigshospitalet, Copenhagen University Hospital
Classification: Likely benign. Last evaluated: 2025-03-04. Review status: criteria provided, single submitter. Criteria: ACMG Guidelines, 2015. Collection method: clinical testing. Allele origin: germline.

Ambry Genetics
Classification: Likely benign for Hereditary cancer-predisposing syndrome. Last evaluated: 2021-10-21. Review status: criteria provided, single submitter. Criteria: Ambry Variant Classification Scheme 2023. Collection method: clinical testing. Allele origin: germline.

Labcorp Genetics (formerly Invitae), Labcorp
Classification: Likely benign for Peutz-Jeghers syndrome. Last evaluated: 2020-03-22. Review status: criteria provided, single submitter. Criteria: Invitae Variant Classification Sherloc (09022015). Collection method: clinical testing. Allele origin: germline.

Color Diagnostics, LLC DBA Color Health
Classification: Likely benign for Hereditary cancer-predisposing syndrome. Last evaluated: 2019-03-12. Review status: criteria provided, single submitter. Criteria: ACMG Guidelines, 2015. Collection method: clinical testing. Allele origin: germline.